The following is an entry in ClinVar:

ClinVar aggregate classification (germline): Uncertain significance (1 of 4 stars; one submission).

Conditions:
Hereditary cancer-predisposing syndrome. Also called: Tumor predisposition; Hereditary Cancer Syndrome; Neoplastic Syndromes, Hereditary; Hereditary neoplastic syndrome. Identifiers: Orphanet 140162, MedGen C0027672, MeSH D009386, MONDO:0015356.

Submission:

Ambry Genetics
Classification: Uncertain significance for Hereditary cancer-predisposing syndrome. Last evaluated: 2025-04-22. Review status: criteria provided, single submitter. Criteria: Ambry Variant Classification Scheme 2023. Collection method: clinical testing. Allele origin: germline.
Comment: The p.N71Y variant (also known as c.211A>T), located in coding exon 2 of the CDKN2A gene, results from an A to T substitution at nucleotide position 211. The asparagine at codon 71 is replaced by tyrosine, an amino acid with dissimilar properties. Of note, this variant is also known as p.Q85L (c.254A>T) in the p14(ARF) isoform. This amino acid position is highly conserved in available vertebrate species. In addition, the in silico prediction for this alteration is inconclusive. Based on the available evidence, the clinical significance of this variant remains unclear.

Literature cited by the submitters: PubMed 10389768; PubMed 11556834; PubMed 11807902; PubMed 12072543; PubMed 15150307; PubMed 16608795; PubMed 16905682; PubMed 17340131; PubMed 19260062; PubMed 20340136; PubMed 21462282; PubMed 22841127; PubMed 7987387; PubMed 9425228; PubMed 9823374; PubMed 9856841.

NM_000077.5(CDKN2A):c.211A>T (p.Asn71Tyr)

Gene: CDKN2A (cyclin dependent kinase inhibitor 2A; minus strand). Cytogenetic location: 9p21.3.
Variant type: single nucleotide variant.
Coding change: c.211A>T on transcript NM_000077.5; coding-DNA position 211, A replaced by T.
Protein change: p.Asn71Tyr; replaces asparagine 71 with tyrosine.
Molecular consequence: missense variant (on NM_000077.6). On other transcripts: 3 prime UTR variant (1).
Genome position (GRCh38, 1-based): chr9:21,971,148, T>A on the plus strand (A>T on the coding strand, the complement: CDKN2A is on the minus strand). VCF-style: chr9-21971148-T-A. GRCh37 (hg19) VCF-style: chr9-21971147-T-A.
Other names: c.211A>T, p.Asn71Tyr (NM_000077.6, NM_001195132.2); c.58A>T, p.Asn20Tyr (NM_001363763.2); c.254A>T, p.Gln85Leu (NM_058195.4); c.*134A>T (NM_058197.5); short protein forms N71Y, Q85L, N20Y.
Identifiers: ClinVar variation 485514 (VCV000485514.6), dbSNP rs1554654153, ClinGen allele CA373086319.